The following is an entry in ClinVar:

ClinVar aggregate classification (germline): Uncertain significance. Review status: criteria provided, multiple submitters, no conflicts (2 of 4 stars). 2 submissions from 2 submitters: Uncertain significance (2). Last evaluated 2026-04-20.

Conditions:
POMC-related disorder. Also called: POMC-related condition; POMC-related disorders.

Allele frequency attached by ClinVar (database versions not stated): gnomAD 0.00001 and 0.00002; gnomAD exomes 0.00001.
gnomAD v4.1: 5 of 1,592,568 alleles (0.00031%); highest among the groups gnomAD compares: Admixed American, 0.0052%; no homozygotes.

Submissions (2):

PreventionGenetics, part of Exact Sciences
Classification: Uncertain significance for POMC-related condition. Last evaluated: 2026-04-20. Review status: criteria provided, single submitter. Criteria: ACMG Guidelines, 2015. Collection method: clinical testing. Allele origin: germline.
Comment: The POMC c.169G>A variant is predicted to result in the amino acid substitution p.Glu57Lys. This variant was observed in a cohort of individuals with obesity, and in vitro functional studies showed this variant did not reduce protein function and could cause increased function (Supplemental Data Set 3, Shah et al. 2023. PubMed ID: 36864747). In a different study, this variant was reported in a control individual is a study of children with obesity (Dubern et al. 2008. PubMed ID:18091355). This variant is reported in 0.0061% of alleles in individuals of Latino descent in gnomAD. At this time, the clinical significance of this variant is uncertain due to the absence of conclusive functional and genetic evidence.

GeneDx
Classification: Uncertain significance. Last evaluated: 2019-08-07. Review status: criteria provided, single submitter. Criteria: GeneDx Variant Classification Process June 2021. Collection method: clinical testing. Allele origin: germline. Affected: yes.
Comment: In silico analysis, which includes protein predictors and evolutionary conservation, supports a deleterious effect; Observed in one unaffected control individual in published literature evaluating POMC variants in children with obesity; not identified in affected individuals (Dubern et al., 2008); This variant is associated with the following publications: (PMID: 18091355)

NM_000939.4(POMC):c.169G>A (p.Glu57Lys)

Genes: POMC (proopiomelanocortin; minus strand), LOC129933280 (ATAC-STARR-seq lymphoblastoid silent region 11244; plus strand). Cytogenetic location: 2p23.3.
Variant type: single nucleotide variant.
Coding change: c.169G>A on transcript NM_000939.4 (MANE Select); coding-DNA position 169, G replaced by A.
Protein change: p.Glu57Lys; replaces glutamic acid 57 with lysine.
Molecular consequence: missense variant.
Genome position (GRCh38, 1-based): chr2:25,161,716, C>T on the plus strand (G>A on the coding strand, the complement: POMC is on the minus strand). VCF-style: chr2-25161716-C-T. GRCh37 (hg19) VCF-style: chr2-25384585-C-T.
Other names: c.169G>A (NM_000939.3); c.169G>A, p.Glu57Lys (NM_001035256.3, NM_001319204.2, NM_001319205.2); short protein forms E57K.
Identifiers: ClinVar variation 1320984 (VCV001320984.4), dbSNP rs917202708, ClinGen allele CA43685030.